The following is an entry in ClinVar:

ClinVar aggregate classification (germline): Uncertain significance (1 of 4 stars; one submission).

Allele frequency attached by ClinVar (database versions not stated): gnomAD exomes below 0.00001; TOPMed below 0.00001; ExAC 0.00001.
gnomAD v4.1: 3 of 1,613,718 alleles (0.00019%); highest among the groups gnomAD compares: African/African-American, 0.004%; no homozygotes.

Submission:

Labcorp Genetics (formerly Invitae), Labcorp
Classification: Uncertain significance. Last evaluated: 2024-03-15. Review status: criteria provided, single submitter. Criteria: Invitae Variant Classification Sherloc (09022015). Collection method: clinical testing. Allele origin: germline.
Comment: This sequence change replaces arginine, which is basic and polar, with glycine, which is neutral and non-polar, at codon 637 of the DDX58 protein (p.Arg637Gly). This variant is present in population databases (rs773899091, gnomAD 0.007%). This variant has not been reported in the literature in individuals affected with DDX58-related conditions. ClinVar contains an entry for this variant (Variation ID: 1899440). Advanced modeling of protein sequence and biophysical properties (such as structural, functional, and spatial information, amino acid conservation, physicochemical variation, residue mobility, and thermodynamic stability) performed at Invitae indicates that this missense variant is expected to disrupt DDX58 protein function with a positive predictive value of 80%. In summary, the available evidence is currently insufficient to determine the role of this variant in disease. Therefore, it has been classified as a Variant of Uncertain Significance.

NM_014314.4(RIGI):c.1909A>G (p.Arg637Gly)

Gene: RIGI (RNA sensor RIG-I; minus strand). Cytogenetic location: 9p21.1.
Variant type: single nucleotide variant.
Coding change: c.1909A>G on transcript NM_014314.4 (MANE Select); coding-DNA position 1909, A replaced by G.
Protein change: p.Arg637Gly; replaces arginine 637 with glycine.
Molecular consequence: missense variant.
Genome position (GRCh38, 1-based): chr9:32,476,997, T>C on the plus strand (A>G on the coding strand, the complement: RIGI is on the minus strand). VCF-style: chr9-32476997-T-C. GRCh37 (hg19) VCF-style: chr9-32476995-T-C.
Other names: c.1903A>G, p.Arg635Gly (NM_001385907.1); c.1909A>G, p.Arg637Gly (NM_001385909.1); c.1468A>G, p.Arg490Gly (NM_001385910.1); c.1300A>G, p.Arg434Gly (NM_001385912.1); c.1894A>G, p.Arg632Gly (NM_001385913.1); c.1465A>G, p.Arg489Gly (NM_001385914.1); short protein forms R434G, R632G, R635G, R489G, R490G, R637G.
Identifiers: ClinVar variation 1899440 (VCV001899440.5), dbSNP rs773899091, ClinGen allele CA5019647.